The following is an entry in ClinVar:

NM_006231.4(POLE):c.726T>G (p.His242Gln)

Gene: POLE (DNA polymerase epsilon, catalytic subunit; minus strand). Cytogenetic location: 12q24.33.
Variant type: single nucleotide variant.
Coding change: c.726T>G on transcript NM_006231.4 (MANE Select); coding-DNA position 726, T replaced by G.
Protein change: p.His242Gln; replaces histidine 242 with glutamine.
Molecular consequence: missense variant.
Genome position (GRCh38, 1-based): chr12:132,677,438, A>C on the plus strand (T>G on the coding strand, the complement: POLE is on the minus strand). VCF-style: chr12-132677438-A-C. GRCh37 (hg19) VCF-style: chr12-133254024-A-C.
Other names: short protein forms H242Q.
Identifiers: ClinVar variation 3422055 (VCV003422055.1).

ClinVar aggregate classification (germline): Uncertain significance (1 of 4 stars; one submission).

Conditions:
Hereditary cancer-predisposing syndrome. Also called: Neoplastic Syndromes, Hereditary; Tumor predisposition; Hereditary Cancer Syndrome; Hereditary neoplastic syndrome. Identifiers: Orphanet 140162, MedGen C0027672, MeSH D009386, MONDO:0015356.

Submission:

Ambry Genetics
Classification: Uncertain significance for Hereditary cancer-predisposing syndrome. Last evaluated: 2024-09-30. Review status: criteria provided, single submitter. Criteria: Ambry Variant Classification Scheme 2023. Collection method: clinical testing. Allele origin: germline.
Comment: The p.H242Q variant (also known as c.726T>G), located in coding exon 8 of the POLE gene, results from a T to G substitution at nucleotide position 726. The histidine at codon 242 is replaced by glutamine, an amino acid with highly similar properties. This amino acid position is conserved. In addition, this alteration is predicted to be tolerated by in silico analysis. Based on the available evidence, the clinical significance of this variant remains unclear.